The following is an entry in ClinVar:

ClinVar aggregate classification (germline): Benign/Likely benign. Review status: criteria provided, multiple submitters, no conflicts (2 of 4 stars). 10 submissions from 9 submitters: Benign (9); Likely benign (1). Last evaluated 2026-02-04.

Conditions:
Aicardi-Goutieres syndrome 6 (AGS6). Identifiers: Orphanet 51, MedGen C3539013, MONDO:0014007, OMIM 615010.
Symmetrical dyschromatosis of extremities (DSH). Also called: RETICULATE ACROPIGMENTATION OF DOHI; SYMMETRIC DYSCHROMATOSIS OF THE EXTREMITIES; DYSCHROMATOSIS SYMMETRICA HEREDITARIA 1; Dyschromatosis symmetrica hereditaria. Identifiers: Orphanet 41, MedGen C0406775, MONDO:0007483, OMIM 127400.

Allele frequency attached by ClinVar (database versions not stated): 1000 Genomes Project 30x 0.38273; 1000 Genomes Project 0.38878; ESP Exome Variant Server 0.40320; gnomAD 0.40966 and 0.41226; TOPMed 0.41189; ExAC 0.46300; gnomAD exomes 0.46581 and 0.47765.
gnomAD v4.1: 759,880 of 1,613,746 alleles (47%); highest among the groups gnomAD compares: East Asian, 56%; 182,154 homozygotes.

Submissions (10):

Labcorp Genetics (formerly Invitae), Labcorp
Classification: Benign for Aicardi-Goutieres syndrome 6; Symmetrical dyschromatosis of extremities. Last evaluated: 2026-02-04. Review status: criteria provided, single submitter. Criteria: Invitae Variant Classification Sherloc (09022015). Collection method: clinical testing. Allele origin: germline.

Women's Health and Genetics/Laboratory Corporation of America, LabCorp
Classification: Benign. Last evaluated: 2026-01-21. Review status: criteria provided, single submitter. Criteria: LabCorp Variant Classification Summary - May 2015. Collection method: clinical testing. Allele origin: germline.

Blueprint Genetics
Classification: Likely benign. Last evaluated: 2024-11-26. Review status: criteria provided, single submitter. Criteria: ACMG Guidelines, 2015. Collection method: clinical testing. Allele origin: germline.

Unidad de Genómica Garrahan, Hospital de Pediatría Garrahan
Classification: Benign. Last evaluated: 2023-11-12. Review status: criteria provided, single submitter. Criteria: ACMG Guidelines, 2015. Collection method: clinical testing. Allele origin: germline. Affected: no. Observed: 67 variant alleles.
Comment: This variant is classified as Benign based on local population frequency. This variant was detected in 70% of patients studied by a panel of primary immunodeficiencies. Number of patients: 67. Only high quality variants are reported.

Mayo Clinic Laboratories, Mayo Clinic
Classification: Benign. Last evaluated: 2022-09-06. Review status: criteria provided, single submitter. Criteria: ACMG Guidelines, 2015. Collection method: clinical testing. Allele origin: germline. Observed: 326 variant alleles.

Genome-Nilou Lab
Classification: Benign for Aicardi-Goutieres syndrome 6. Last evaluated: 2021-07-14. Review status: criteria provided, single submitter. Criteria: ACMG Guidelines, 2015. Collection method: clinical testing. Allele origin: germline. Affected: no.

Genome-Nilou Lab
Classification: Benign for Symmetrical dyschromatosis of extremities. Last evaluated: 2021-07-14. Review status: criteria provided, single submitter. Criteria: ACMG Guidelines, 2015. Collection method: clinical testing. Allele origin: germline. Affected: no.

Illumina Laboratory Services, Illumina
Classification: Benign for Symmetrical dyschromatosis of extremities. Last evaluated: 2018-01-13. Review status: criteria provided, single submitter. Criteria: ICSL Variant Classification Criteria 13 December 2019. Collection method: clinical testing. Allele origin: germline.
Comment: This variant was observed in the ICSL laboratory as part of a predisposition screen in an ostensibly healthy population. It had not been previously curated by ICSL or reported in the Human Gene Mutation Database (HGMD: prior to June 1st, 2018), and was therefore a candidate for classification through an automated scoring system. Utilizing variant allele frequency, disease prevalence and penetrance estimates, and inheritance mode, an automated score was calculated to assess if this variant is too frequent to cause the disease. Based on the score and internal cut-off values, a variant classified as benign is not then subjected to further curation. The score for this variant resulted in a classification of benign for this disease.

Breakthrough Genomics
Classification: Benign. Review status: criteria provided, single submitter. Criteria: ACMG Guidelines, 2015. Collection method: not provided. Allele origin: germline. Inheritance: Autosomal recessive inheritance. Affected: yes.

PreventionGenetics, part of Exact Sciences
Classification: Benign. Review status: criteria provided, single submitter. Criteria: ACMG Guidelines, 2015. Collection method: clinical testing. Allele origin: germline.

NM_001111.5(ADAR):c.3443+8G>A

Gene: ADAR (adenosine deaminase RNA specific; minus strand). Cytogenetic location: 1q21.3.
Variant type: single nucleotide variant.
Coding change: c.3443+8G>A on transcript NM_001111.5 (MANE Select); 8 bases into the intron after coding-DNA position 3443, G replaced by A.
Molecular consequence: intron variant.
Genome position (GRCh38, 1-based): chr1:154,585,209, C>T on the plus strand (G>A on the coding strand, the complement: ADAR is on the minus strand). VCF-style: chr1-154585209-C-T. GRCh37 (hg19) VCF-style: chr1-154557685-C-T.
Other names: p.?; c.3443+8G>A (LRG_1212t1); c.2558+8G>A (NM_001365046.1, NM_001025107.3, NM_001365048.1 and 2 more transcripts); c.3470+8G>A (NM_001365045.1); c.2480+8G>A (NM_001365049.1); c.3308+8G>A (NM_015841.4); c.3365+8G>A (NM_015840.4).
Identifiers: ClinVar variation 257475 (VCV000257475.25), dbSNP rs9427094, ClinGen allele CA1130954.